The following is an entry in ClinVar:

ClinVar aggregate classification (germline): Conflicting classifications of pathogenicity. Review status: criteria provided, conflicting classifications (1 of 4 stars). 2 submissions from 2 submitters: Uncertain significance (1); Likely benign (1). Last evaluated 2023-03-23.

Conditions:
Hereditary cancer-predisposing syndrome. Also called: Tumor predisposition; Hereditary neoplastic syndrome; Neoplastic Syndromes, Hereditary; Hereditary Cancer Syndrome. Identifiers: Orphanet 140162, MedGen C0027672, MeSH D009386, MONDO:0015356.
Hereditary breast ovarian cancer syndrome. Also called: BRCA1- and BRCA2-Associated Hereditary Breast and Ovarian Cancer; Hereditary breast and ovarian cancer; Hereditary breast and/or ovarian cancer syndrome; Hereditary breast and ovarian cancer syndrome; Hereditary breast and ovarian cancer syndrome (HBOC); Breast and ovarian cancer. Identifiers: Orphanet 145, MedGen C0677776, MeSH D061325, MONDO:0003582. Disease mechanism: loss of function.

Submissions (2):

University of Washington Department of Laboratory Medicine, University of Washington
Classification: Likely benign for Hereditary cancer-predisposing syndrome. Last evaluated: 2023-03-23. Review status: criteria provided, single submitter. Criteria: Dines et al. (Genet Med. 2020). Collection method: curation. Allele origin: germline.
Comment: Missense variant in a coldspot region where missense variants are very unlikely to be pathogenic (PMID:31911673).

BRCA1 coldspot (exon 11 using historical exon numbering). Reclassification based on statistical prior probability

Labcorp Genetics (formerly Invitae), Labcorp
Classification: Uncertain significance for Hereditary breast ovarian cancer syndrome. Last evaluated: 2022-07-25. Review status: criteria provided, single submitter. Criteria: Invitae Variant Classification Sherloc (09022015). Collection method: clinical testing. Allele origin: germline.
Comment: In summary, the available evidence is currently insufficient to determine the role of this variant in disease. Therefore, it has been classified as a Variant of Uncertain Significance. Advanced modeling of protein sequence and biophysical properties (such as structural, functional, and spatial information, amino acid conservation, physicochemical variation, residue mobility, and thermodynamic stability) performed at Invitae indicates that this missense variant is not expected to disrupt BRCA1 protein function. ClinVar contains an entry for this variant (Variation ID: 1360771). This variant has not been reported in the literature in individuals affected with BRCA1-related conditions. This variant is not present in population databases (gnomAD no frequency). This sequence change replaces serine, which is neutral and polar, with cysteine, which is neutral and slightly polar, at codon 1125 of the BRCA1 protein (p.Ser1125Cys).

NM_007294.4(BRCA1):c.3374C>G (p.Ser1125Cys)

Genes: BRCA1 (BRCA1 DNA repair associated; minus strand), LOC126862571 (BRD4-independent group 4 enhancer GRCh37_chr17:41243136-41244335; plus strand). Cytogenetic location: 17q21.31.
Variant type: single nucleotide variant.
Coding change: c.3374C>G on transcript NM_007294.4 (MANE Select); coding-DNA position 3374, C replaced by G.
Protein change: p.Ser1125Cys; replaces serine 1125 with cysteine.
Molecular consequence: missense variant. On other transcripts: intron variant (137).
Genome position (GRCh38, 1-based): chr17:43,092,157, G>C on the plus strand (C>G on the coding strand, the complement: BRCA1 is on the minus strand). VCF-style: chr17-43092157-G-C. GRCh37 (hg19) VCF-style: chr17-41244174-G-C.
Other names: c.3161C>G, p.Ser1054Cys (NM_001407571.1, NM_001407853.1, NM_001407894.1 and 9 more transcripts); c.3374C>G, p.Ser1125Cys (NM_001407581.1, NM_001407582.1, NM_001407583.1 and 30 more transcripts); c.3371C>G, p.Ser1124Cys (NM_001407587.1, NM_001407590.1, NM_001407591.1 and 22 more transcripts); c.3365C>G, p.Ser1122Cys (NM_001407646.1, NM_001407647.1); c.3251C>G, p.Ser1084Cys (NM_001407648.1, NM_001407664.1, NM_001407665.1 and 19 more transcripts); c.3248C>G, p.Ser1083Cys (NM_001407649.1, NM_001407670.1, NM_001407671.1 and 11 more transcripts); c.3296C>G, p.Ser1099Cys (NM_001407653.1, NM_001407654.1, NM_001407655.1 and 4 more transcripts); c.3293C>G, p.Ser1098Cys (NM_001407659.1, NM_001407660.1, NM_001407661.1 and 1 more transcripts); and 41 more; short protein forms S1078C, S1125C, S1013C, S1099C, S998C, S1037C, S1077C, S1084C.
Identifiers: ClinVar variation 1360771 (VCV001360771.11), dbSNP rs1555587835, ClinGen allele CA10595228.